The following is an entry in ClinVar:

NM_005051.3(QARS1):c.1288G>A (p.Asp430Asn)

Gene: QARS1 (glutaminyl-tRNA synthetase 1; minus strand). Cytogenetic location: 3p21.31.
Variant type: single nucleotide variant.
Coding change: c.1288G>A on transcript NM_005051.3 (MANE Select); coding-DNA position 1288, G replaced by A.
Protein change: p.Asp430Asn; replaces aspartic acid 430 with asparagine.
Molecular consequence: missense variant. On other transcripts: non-coding transcript variant (1).
Genome position (GRCh38, 1-based): chr3:49,099,968, C>T on the plus strand (G>A on the coding strand, the complement: QARS1 is on the minus strand). VCF-style: chr3-49099968-C-T. GRCh37 (hg19) VCF-style: chr3-49137401-C-T.
Other names: c.1288G>A (NM_005051.1); c.1255G>A, p.Asp419Asn (NM_001272073.2); short protein forms D430N, D419N.
Identifiers: ClinVar variation 1908245 (VCV001908245.6), dbSNP rs753924453, ClinGen allele CA352708388.
Genomic context (GRCh38, chr3:49,099,968, plus strand): 5'-TGGCCCATCGCCCTGCTCGGCAGCCCCACCACCCCACCCCATTCTACACCCACCATTTGT[C>T]CCCTGTGCGGTGGTGTGGTGTATACTTGACTCGATAGGCTACAGGGTCCATCTTGCCATC-3'
Protein context (NP_005042.1, residues 420-440): VKYTPHHRTG[Asp430Asn]KWCIYPTYDY

ClinVar aggregate classification (germline): Uncertain significance. Review status: criteria provided, multiple submitters, no conflicts (2 of 4 stars). 2 submissions from 2 submitters: Uncertain significance (2). Last evaluated 2024-02-27.

Conditions:
Diffuse cerebral and cerebellar atrophy - intractable seizures - progressive microcephaly syndrome. Also called: Microcephaly, progressive, with seizures and cerebral and cerebellar atrophy. Identifiers: Orphanet 404437, MedGen C4014239, MONDO:0014335, OMIM 615760.
Inborn genetic diseases. Identifiers: MedGen C0950123, MeSH D030342.

gnomAD v4.1: 1 of 1,614,210 alleles (0.000062%); no homozygotes.

Submissions (2):

Ambry Genetics
Classification: Uncertain significance for Inborn genetic diseases. Last evaluated: 2024-02-27. Review status: criteria provided, single submitter. Criteria: Ambry Variant Classification Scheme 2023. Collection method: clinical testing. Allele origin: germline.

Labcorp Genetics (formerly Invitae), Labcorp
Classification: Uncertain significance for Diffuse cerebral and cerebellar atrophy - intractable seizures - progressive microcephaly syndrome. Last evaluated: 2022-06-14. Review status: criteria provided, single submitter. Criteria: Invitae Variant Classification Sherloc (09022015). Collection method: clinical testing. Allele origin: germline.
Comment: This sequence change replaces aspartic acid, which is acidic and polar, with asparagine, which is neutral and polar, at codon 430 of the QARS protein (p.Asp430Asn). In summary, the available evidence is currently insufficient to determine the role of this variant in disease. Therefore, it has been classified as a Variant of Uncertain Significance. Algorithms developed to predict the effect of missense changes on protein structure and function are either unavailable or do not agree on the potential impact of this missense change (SIFT: "Tolerated"; PolyPhen-2: "Probably Damaging"; Align-GVGD: "Class C0"). This variant has not been reported in the literature in individuals affected with QARS-related conditions. This variant is present in population databases (no rsID available, gnomAD 0.006%).